The following is an entry in ClinVar:

NM_014362.4(HIBCH):c.809+1G>A

Gene: HIBCH (3-hydroxyisobutyryl-CoA hydrolase; minus strand). Cytogenetic location: 2q32.2.
Variant type: single nucleotide variant.
Coding change: c.809+1G>A on transcript NM_014362.4 (MANE Select); the canonical splice donor site of the intron after coding-DNA position 809, G replaced by A.
Molecular consequence: splice donor variant.
Genome position (GRCh38, 1-based): chr2:190,246,153, C>T on the plus strand (G>A on the coding strand, the complement: HIBCH is on the minus strand). VCF-style: chr2-190246153-C-T. GRCh37 (hg19) VCF-style: chr2-191110879-C-T.
Other names: c.809+1G>A (NM_198047.3).
Identifiers: ClinVar variation 424160 (VCV000424160.18), dbSNP rs143746450, ClinGen allele CA2027491.

ClinVar aggregate classification (germline): Pathogenic/Likely pathogenic. Review status: criteria provided, multiple submitters, no conflicts (2 of 4 stars). 7 submissions from 7 submitters: Pathogenic (1); Likely pathogenic (6). Last evaluated 2025-04-15.

Conditions:
HIBCH-related disorders.
3-hydroxyisobutyryl-CoA hydrolase deficiency. Also called: METHACRYLIC ACID TOXICITY; METHACRYLIC ACIDURIA; HIBCH DEFICIENCY; VALINE METABOLIC DEFECT; Reduced circulating 3-hydroxyisobutyryl-CoA hydrolase activity; Deficiency of 3-hydroxyisobutyryl CoA hydrolase. Identifiers: Orphanet 88639, MedGen C0342738, MONDO:0009603, OMIM 250620, HP:6000215.

Allele frequency attached by ClinVar (database versions not stated): ExAC 0.00003; TOPMed 0.00005; ESP Exome Variant Server 0.00015.
gnomAD v4.1: 49 of 1,544,988 alleles (0.0032%); highest among the groups gnomAD compares: Non-Finnish European, 0.0042%; no homozygotes.

Submissions (7):

GeneDx
Classification: Likely pathogenic. Last evaluated: 2025-04-15. Review status: criteria provided, single submitter. Criteria: GeneDx Variant Classification Process June 2021. Collection method: clinical testing. Allele origin: germline. Affected: yes.
Comment: Reported as a single heterozygous variant in a newborn undergoing exome sequencing through the BabySeq Project (PMID: 30609409); Canonical splice site variant predicted to result in a null allele in a gene for which loss of function is a known mechanism of disease; This variant is associated with the following publications: (PMID: 30609409)

Blueprint Genetics
Classification: Likely pathogenic for HIBCH-related disorders. Last evaluated: 2024-11-13. Review status: criteria provided, single submitter. Criteria: ACMG Guidelines, 2015. Collection method: clinical testing. Allele origin: germline. Affected: yes. Observed: 5 variant alleles.

Labcorp Genetics (formerly Invitae), Labcorp
Classification: Likely pathogenic for 3-hydroxyisobutyryl-CoA hydrolase deficiency. Last evaluated: 2024-10-17. Review status: criteria provided, single submitter. Criteria: Invitae Variant Classification Sherloc (09022015). Collection method: clinical testing. Allele origin: germline.
Comment: This sequence change affects a donor splice site in intron 10 of the HIBCH gene. It is expected to disrupt RNA splicing. Variants that disrupt the donor or acceptor splice site typically lead to a loss of protein function (PMID: 16199547), and loss-of-function variants in HIBCH are known to be pathogenic (PMID: 17160907, 26163321). This variant is present in population databases (rs143746450, gnomAD 0.006%). This variant has not been reported in the literature in individuals affected with HIBCH-related conditions. ClinVar contains an entry for this variant (Variation ID: 424160). Algorithms developed to predict the effect of sequence changes on RNA splicing suggest that this variant may disrupt the consensus splice site. In summary, the currently available evidence indicates that the variant is pathogenic, but additional data are needed to prove that conclusively. Therefore, this variant has been classified as Likely Pathogenic.

Women's Health and Genetics/Laboratory Corporation of America, LabCorp
Classification: Likely pathogenic for 3-hydroxyisobutyryl-CoA hydrolase deficiency. Last evaluated: 2023-11-17. Review status: criteria provided, single submitter. Criteria: LabCorp Variant Classification Summary - May 2015. Collection method: clinical testing. Allele origin: germline.
Comment: Variant summary: HIBCH c.809+1G>A is located in a canonical splice-site and is predicted to affect mRNA splicing resulting in a significantly altered protein due to either exon skipping, shortening, or inclusion of intronic material. Several computational tools predict a significant impact on normal splicing: Three predict the variant abolishes a 5' splicing donor site. However, these predictions have yet to be confirmed by functional studies. The variant allele was found at a frequency of 1.6e-05 in 249446 control chromosomes. To our knowledge, no occurrence of c.809+1G>A in individuals affected with Beta-Hydroxyisobutyryl Deacylase Deficiency and no experimental evidence demonstrating its impact on protein function have been reported. Four submitters have cited clinical-significance assessments for this variant to ClinVar after 2014. All submitters classified the variant as likely pathogenic. Based on the evidence outlined above, the variant was classified as likely pathogenic.

Department of Pathology and Laboratory Medicine, Sinai Health System
Classification: Pathogenic for 3-hydroxyisobutyryl-CoA hydrolase deficiency. Last evaluated: 2022-11-10. Review status: criteria provided, single submitter. Criteria: ACMG Guidelines, 2015. Collection method: research. Allele origin: germline.

Genetic Services Laboratory, University of Chicago
Classification: Likely pathogenic. Last evaluated: 2018-05-09. Review status: criteria provided, single submitter. Criteria: ACMG Guidelines, 2015. Collection method: clinical testing. Allele origin: germline. Affected: yes.

Laboratory for Molecular Medicine, Mass General Brigham Personalized Medicine
Classification: Likely pathogenic for 3-hydroxyisobutyryl-CoA hydrolase deficiency. Last evaluated: 2017-01-31. Review status: criteria provided, single submitter. Criteria: LMM Criteria. Collection method: clinical testing. Allele origin: germline. Inheritance: Autosomal recessive inheritance. Observed: 1 variant allele.
Comment: The c.809+1G>A (NM_014362.3 c.809+1G>A) variant in HIBCH has not been reported i n individuals with 3-Hydroxyisobutyrl-CoA hydrolase deficiency (HIBCH deficiency ) and has been identified in 0.005% (3/58,196) of European chromosomes by the Ex ome Aggregation Consortium (ExAC; dbSNP rs143746 450). Although this variant has been seen in the general population, its frequen cy is low enough to be consistent with a recessive carrier frequency. This varia nt occurs in the invariant region (+/- 1,2) of the splice consensus sequence and is predicted to cause altered splicing leading to an abnormal or absent protein . Biallelic loss of function of the HIBCH gene has been associated with 3-Hydrox yisobutyrl-CoA hydrolase deficiency. In summary, although additional studies are required to fully establish a null effect on the protein, this variant meets cr iteria to be classified as likely pathogenic for HIBCH deficiency in an autosoma l recessive manner based upon its predicted functional impact.

Literature cited by the submitters: PubMed 16199547 (cited by Labcorp Genetics (formerly Invitae), Labcorp); PubMed 17160907 (cited by Labcorp Genetics (formerly Invitae), Labcorp); PubMed 26163321 (cited by Labcorp Genetics (formerly Invitae), Labcorp).